The following is an entry in ClinVar:

ClinVar aggregate classification (germline): Benign/Likely benign. Review status: criteria provided, multiple submitters, no conflicts (2 of 4 stars). 10 submissions from 10 submitters: Benign (1); Likely benign (8). 1 of the submissions does not count toward it. Last evaluated 2026-01-08.

Conditions:
Hereditary nonpolyposis colorectal neoplasms. Identifiers: MedGen C0009405, MeSH D003123.
Hereditary cancer-predisposing syndrome. Also called: Tumor predisposition; Hereditary neoplastic syndrome; Neoplastic Syndromes, Hereditary; Hereditary Cancer Syndrome. Identifiers: Orphanet 140162, MedGen C0027672, MeSH D009386, MONDO:0015356.
Lynch syndrome. Identifiers: Orphanet 144, MedGen C4552100, MONDO:0005835. Disease mechanism: loss of function.
Lynch syndrome 5 (LYNCH5). Also called: Hereditary non-polyposis colorectal cancer, type 5; Colorectal cancer, hereditary nonpolyposis, type 5. Identifiers: Orphanet 144, MedGen C1833477, MONDO:0013710, OMIM 614350. Disease mechanism: loss of function.
Carcinoma of colon (CRC). Also called: Colonic carcinoma; Colon carcinoma. Identifiers: MedGen C0699790, MONDO:0002032.

Allele frequency attached by ClinVar (database versions not stated): TOPMed 0.00002; gnomAD 0.00004 and 0.00003.
gnomAD v4.1: 59 of 1,613,894 alleles (0.0037%); highest among the groups gnomAD compares: Non-Finnish European, 0.0047%; no homozygotes.

Submissions (10):

Labcorp Genetics (formerly Invitae), Labcorp
Classification: Likely benign for Hereditary nonpolyposis colorectal neoplasms. Last evaluated: 2026-01-08. Review status: criteria provided, single submitter. Criteria: Invitae Variant Classification Sherloc (09022015). Collection method: clinical testing. Allele origin: germline.

Center for Genomic Medicine, Rigshospitalet, Copenhagen University Hospital
Classification: Likely benign. Last evaluated: 2025-03-04. Review status: criteria provided, single submitter. Criteria: ACMG Guidelines, 2015. Collection method: clinical testing. Allele origin: germline.

Myriad Genetics, Inc.
Classification: Benign for Lynch syndrome 5. Last evaluated: 2024-12-30. Review status: criteria provided, single submitter. Criteria: Myriad Autosomal Dominant, Autosomal Recessive and X-Linked Classification Criteria (2023). Collection method: clinical testing. Allele origin: unknown.
Comment: This variant is considered benign. This variant is a silent/synonymous amino acid change and it is not expected to impact splicing.

All of Us Research Program, National Institutes of Health
Classification: Likely benign for Lynch syndrome. Last evaluated: 2023-11-30. Review status: criteria provided, single submitter. Criteria: ACMG Guidelines, 2015. Collection method: clinical testing. Allele origin: germline. Inheritance: Autosomal dominant inheritance. Observed: 4 variant alleles, 4 heterozygotes.
Comment: This study involves interpretation of variants in research participants for the purpose of population health screening. Participant phenotype was not available at the time of variant classification. Additional details can be found in publication PMID: 35346344, PMCID: PMC8962531

Women's Health and Genetics/Laboratory Corporation of America, LabCorp
Classification: Likely benign. Last evaluated: 2019-08-29. Review status: criteria provided, single submitter. Criteria: LabCorp Variant Classification Summary - May 2015. Collection method: clinical testing. Allele origin: germline.

GeneDx
Classification: Likely benign. Last evaluated: 2019-02-12. Review status: criteria provided, single submitter. Criteria: GeneDx Variant Classification Process June 2021. Collection method: clinical testing. Allele origin: germline. Affected: yes.

PreventionGenetics, part of Exact Sciences
Classification: Likely benign. Last evaluated: 2017-12-27. Review status: criteria provided, single submitter. Criteria: ACMG Guidelines, 2015. Collection method: clinical testing. Allele origin: germline.

Color Diagnostics, LLC DBA Color Health
Classification: Likely benign for Hereditary cancer-predisposing syndrome. Last evaluated: 2016-07-18. Review status: criteria provided, single submitter. Criteria: ACMG Guidelines, 2015. Collection method: clinical testing. Allele origin: germline.

Ambry Genetics
Classification: Likely benign for Hereditary cancer-predisposing syndrome. Last evaluated: 2014-12-08. Review status: criteria provided, single submitter. Criteria: Ambry Variant Classification Scheme 2023. Collection method: clinical testing. Allele origin: germline.

Department of Pathology and Laboratory Medicine, Sinai Health System
Classification: Likely benign for Carcinoma of colon. Review status: no assertion criteria provided. Collection method: clinical testing. Allele origin: unknown. Affected: yes. Study: The Canadian Open Genetics Repository (COGR). Not counted in ClinVar's aggregate classification.
Comment: The MSH6 p.Thr757= variant was not identified in the literature nor was it identified in the UMD-LSDB database. The variant was identified in dbSNP (rs142172006) as â€šÃ„Ãºwith likely benign, uncertain significance alleleâ€šÃ„Ã¹ and ClinVar (classified as likely benign by Invitae, Ambry Genetics, Color and 2 other submitters; and as uncertain significance by Integrated Genetics). The variant was identified in control databases in 7 of 276,782 chromosomes at a frequency of 0.00003 (Genome Aggregation Database Feb 27, 2017). The variant was observed in the following populations: African in 1 of 24,022 chromosomes (freq: 0.00004) and European in 6 of 126,318 chromosomes (freq: 0.00005); it was not observed in the Other, Latino, Ashkenazi Jewish, East Asian, Finnish or South Asian populations. In our laboratory, the variant was identified as co-occurring with a pathogenic MSH6 variant (c.1883G>A, p.Trp628*). The p.Thr757= variant is not expected to have clinical significance because it does not result in a change of amino acid and is not located in a known consensus splice site. The variant occurs at a non-highly conserved nucleotide outside of the splicing consensus sequence and in silico or computational prediction software programs (SpliceSiteFinder, MaxEntScan, NNSPLICE, GeneSplicer) do not predict a difference in splicing. In summary, based on the above information, the clinical significance of this variant cannot be determined with certainty at this time although we would lean towards a more benign role for this variant. This variant is classified as likely benign.

NM_000179.3(MSH6):c.2271C>T (p.Thr757=)

Gene: MSH6 (mutS homolog 6; plus strand). Cytogenetic location: 2p16.3.
Variant type: single nucleotide variant.
Coding change: c.2271C>T on transcript NM_000179.3 (MANE Select); coding-DNA position 2271, C replaced by T.
Protein change: p.Thr757=; no amino-acid change (threonine 757 retained).
Molecular consequence: synonymous variant.
Genome position (GRCh38, 1-based): chr2:47,800,254, C>T. VCF-style: chr2-47800254-C-T. GRCh37 (hg19) VCF-style: chr2-48027393-C-T.
Other names: c.1881C>T, p.Thr627= (NM_001281492.2); c.1365C>T, p.Thr455= (NM_001281493.2, NM_001281494.2).
Identifiers: ClinVar variation 183899 (VCV000183899.29), dbSNP rs142172006, ClinGen allele CA009927.